The following is an entry in ClinVar:

NM_001987.5(ETV6):c.320C>T (p.Pro107Leu)

Genes: ETV6 (ETS variant transcription factor 6; plus strand), LOC126861451 (BRD4-independent group 4 enhancer GRCh37_chr12:11991350-11992549; plus strand). Cytogenetic location: 12p13.2.
Variant type: single nucleotide variant.
Coding change: c.320C>T on transcript NM_001987.5 (MANE Select); coding-DNA position 320, C replaced by T.
Protein change: p.Pro107Leu; replaces proline 107 with leucine.
Molecular consequence: missense variant.
Genome position (GRCh38, 1-based): chr12:11,839,296, C>T. VCF-style: chr12-11839296-C-T. GRCh37 (hg19) VCF-style: chr12-11992230-C-T.
Other names: c.317C>T, p.Pro106Leu (NM_001413913.1); c.293C>T, p.Pro98Leu (NM_001413914.1); c.56C>T, p.Pro19Leu (NM_001413915.1); c.320C>T, p.Pro107Leu (NM_001413916.1, NM_001413917.1, NM_001413918.1); short protein forms P19L, P98L, P107L, P106L.
Identifiers: ClinVar variation 4251433 (VCV004251433.1).

ClinVar aggregate classification (germline): Uncertain significance (1 of 4 stars; one submission).

Conditions:
Inborn genetic diseases. Identifiers: MedGen C0950123, MeSH D030342.

gnomAD v4.1: 3 of 1,613,508 alleles (0.00019%); highest among the groups gnomAD compares: Non-Finnish European, 0.00025%; no homozygotes.

Submission:

Ambry Genetics
Classification: Uncertain significance for Inborn genetic diseases. Last evaluated: 2025-07-15. Review status: criteria provided, single submitter. Criteria: Ambry Variant Classification Scheme 2023. Collection method: clinical testing. Allele origin: germline.
Comment: The p.P107L variant (also known as c.320C>T), located in coding exon 3 of the ETV6 gene, results from a C to T substitution at nucleotide position 320. The proline at codon 107 is replaced by leucine, an amino acid with similar properties. This amino acid position is highly conserved in available vertebrate species. In addition, this alteration is predicted to be deleterious by in silico analysis. Based on the available evidence, the clinical significance of this variant remains unclear.